The following is an entry in ClinVar:

ClinVar aggregate classification (germline): Uncertain significance (1 of 4 stars; one submission).

Submission:

Labcorp Genetics (formerly Invitae), Labcorp
Classification: Uncertain significance. Last evaluated: 2024-09-08. Review status: criteria provided, single submitter. Criteria: Invitae Variant Classification Sherloc (09022015). Collection method: clinical testing. Allele origin: germline.
Comment: This sequence change replaces alanine, which is neutral and non-polar, with valine, which is neutral and non-polar, at codon 1395 of the ERCC6 protein (p.Ala1395Val). This variant is not present in population databases (gnomAD no frequency). This variant has not been reported in the literature in individuals affected with ERCC6-related conditions. Invitae Evidence Modeling of protein sequence and biophysical properties (such as structural, functional, and spatial information, amino acid conservation, physicochemical variation, residue mobility, and thermodynamic stability) indicates that this missense variant is not expected to disrupt ERCC6 protein function with a negative predictive value of 95%. In summary, the available evidence is currently insufficient to determine the role of this variant in disease. Therefore, it has been classified as a Variant of Uncertain Significance.

NM_000124.4(ERCC6):c.4184C>T (p.Ala1395Val)

Gene: ERCC6 (ERCC excision repair 6, chromatin remodeling factor; minus strand). Cytogenetic location: 10q11.23.
Variant type: single nucleotide variant.
Coding change: c.4184C>T on transcript NM_000124.4 (MANE Select); coding-DNA position 4184, C replaced by T.
Protein change: p.Ala1395Val; replaces alanine 1395 with valine.
Molecular consequence: missense variant.
Genome position (GRCh38, 1-based): chr10:49,459,113, G>A on the plus strand (C>T on the coding strand, the complement: ERCC6 is on the minus strand). VCF-style: chr10-49459113-G-A. GRCh37 (hg19) VCF-style: chr10-50667159-G-A.
Other names: c.4184C>T, p.Ala1395Val (NM_001346440.2); short protein forms A1395V.
Identifiers: ClinVar variation 3664838 (VCV003664838.2).